The following is an entry in ClinVar:

ClinVar aggregate classification (germline): Pathogenic. Review status: criteria provided, multiple submitters, no conflicts (2 of 4 stars). 2 submissions from 2 submitters: Pathogenic (2). Last evaluated 2022-09-05.

Conditions:
Progressive sclerosing poliodystrophy (MTDPS4A). Also called: NEURONAL DEGENERATION OF CHILDHOOD WITH LIVER DISEASE, PROGRESSIVE; Alpers Syndrome; Alpers-Huttenlocher Syndrome (AHS); ALPERS PROGRESSIVE INFANTILE POLIODYSTROPHY; Mitochondrial DNA Depletion Syndrome 4A; ALPERS DIFFUSE DEGENERATION OF CEREBRAL GRAY MATTER WITH HEPATIC CIRRHOSIS. Identifiers: Orphanet 726, MedGen C0205710, MONDO:0008758, OMIM 203700.

Submissions (2):

Baylor Genetics
Classification: Pathogenic for Progressive sclerosing poliodystrophy. Last evaluated: 2022-09-05. Review status: criteria provided, single submitter. Criteria: ACMG Guidelines, 2015. Collection method: clinical testing. Allele origin: unknown.

GeneDx
Classification: Pathogenic. Last evaluated: 2018-11-15. Review status: criteria provided, single submitter. Criteria: GeneDx Variant Classification (06012015). Collection method: clinical testing. Allele origin: germline. Affected: yes.
Comment: The c.3158_3159delCA variant in the POLG gene has been reported previously in an individual with Alpers disease who was also heterozygous for a second variant in POLG (Kaliszewska et al., 2015). Functional studies in a yeast strain found this variant was associated with severe respiratory deficiency (Kaliszewska et al., 2015). The c.3158_3159delCA variant is not observed at a significant frequency in large population cohorts (Lek et al., 2016). This deletion causes a frameshift starting with codon Threonine 1053, changes this amino acid to a Arginine residue and creates a premature Stop codon at position (codon #) of the new reading frame, denoted p.Thr1053ArgfsX7. This pathogenic variant is predicted to cause loss of normal protein function either through protein truncation or nonsense-mediated mRNA decay.

NM_002693.3(POLG):c.3158_3159del (p.Thr1053fs)

Gene: POLG (DNA polymerase gamma, catalytic subunit; minus strand). Cytogenetic location: 15q26.1.
Variant type: Microsatellite.
Coding change: c.3158_3159del on transcript NM_002693.3 (MANE Select); coding-DNA positions 3158 to 3159, 2 bases deleted (CA; older notation c.3158_3159delCA).
Protein change: p.Thr1053fs; shifts the reading frame from threonine 1053.
Molecular consequence: frameshift variant.
Genome position (GRCh38, 1-based): chr15:89,319,045-89,319,046, TG deleted on the plus strand (CA on the coding strand, the reverse complement: POLG is on the minus strand); deleting any 2 consecutive bases within chr15:89,319,045-89,319,048 gives the same sequence; the c. name uses the placement nearest the transcript's 3' end. VCF-style (leftmost placement, unchanged base first): chr15-89319044-CTG-C. GRCh37 (hg19) VCF-style: chr15-89862275-CTG-C.
Other names: c.3158_3159del, p.Thr1053fs (NM_001126131.2); short protein forms T1053fs.
Identifiers: ClinVar variation 817632 (VCV000817632.2), dbSNP rs1332921412, ClinGen allele CA619857394.